The following is an entry in ClinVar:

NM_001040151.2(SCN3B):c.535T>C (p.Tyr179His)

Gene: SCN3B (sodium voltage-gated channel beta subunit 3; minus strand). Cytogenetic location: 11q24.1.
Variant type: single nucleotide variant.
Coding change: c.535T>C on transcript NM_001040151.2 (MANE Select); coding-DNA position 535, T replaced by C.
Protein change: p.Tyr179His; replaces tyrosine 179 with histidine.
Molecular consequence: missense variant.
Genome position (GRCh38, 1-based): chr11:123,638,235, A>G on the plus strand (T>C on the coding strand, the complement: SCN3B is on the minus strand). VCF-style: chr11-123638235-A-G. GRCh37 (hg19) VCF-style: chr11-123508943-A-G.
Other names: c.535T>C, p.Tyr179His (NM_018400.4); short protein forms Y179H.
Identifiers: ClinVar variation 1747068 (VCV001747068.7), dbSNP rs1232088805, ClinGen allele CA383070230.
Genomic context (GRCh38, chr11:123,638,235, plus strand): 5'-TCTGGACTTACGCGTTTTCTTGGGCTGCCTCTTCGGCTTTTGAGACCTTTCTGTAGCAAT[A>G]TATCATCTCGATGAGCAGCCACAAGGTGAGGAAGACCAGAAGGATGTACATCATGATTTC-3'
Protein context (NP_001035241.1, residues 169-189): LTLWLLIEMI[Tyr179His]CYRKVSKAEE

ClinVar aggregate classification (germline): Uncertain significance. Review status: criteria provided, multiple submitters, no conflicts (2 of 4 stars). 2 submissions from 2 submitters: Uncertain significance (2). Last evaluated 2024-11-26.

Conditions:
Cardiovascular phenotype. Identifiers: MedGen CN230736.
Brugada syndrome 7 (BRGDA7). Identifiers: Orphanet 130, MedGen C2751088, MONDO:0013146, OMIM 613120.

Allele frequency attached by ClinVar (database versions not stated): gnomAD exomes below 0.00001; TOPMed below 0.00001.
gnomAD v4.1: 2 of 1,614,194 alleles (0.00012%); highest among the groups gnomAD compares: Non-Finnish European, 0.00017%; no homozygotes.

Submissions (2):

Labcorp Genetics (formerly Invitae), Labcorp
Classification: Uncertain significance for Brugada syndrome 7. Last evaluated: 2024-11-26. Review status: criteria provided, single submitter. Criteria: Invitae Variant Classification Sherloc (09022015). Collection method: clinical testing. Allele origin: germline.
Comment: This sequence change replaces tyrosine, which is neutral and polar, with histidine, which is basic and polar, at codon 179 of the SCN3B protein (p.Tyr179His). This variant is present in population databases (no rsID available, gnomAD 0.0009%). This variant has not been reported in the literature in individuals affected with SCN3B-related conditions. ClinVar contains an entry for this variant (Variation ID: 1747068). An algorithm developed to predict the effect of missense changes on protein structure and function (PolyPhen-2) suggests that this variant is likely to be disruptive. In summary, the available evidence is currently insufficient to determine the role of this variant in disease. Therefore, it has been classified as a Variant of Uncertain Significance.

Ambry Genetics
Classification: Uncertain significance for Cardiovascular phenotype. Last evaluated: 2022-09-28. Review status: criteria provided, single submitter. Criteria: Ambry Variant Classification Scheme 2023. Collection method: clinical testing. Allele origin: germline.
Comment: The p.Y179H variant (also known as c.535T>C), located in coding exon 4 of the SCN3B gene, results from a T to C substitution at nucleotide position 535. The tyrosine at codon 179 is replaced by histidine, an amino acid with similar properties. This amino acid position is conserved. In addition, this alteration is predicted to be deleterious by in silico analysis. Since supporting evidence is limited at this time, the clinical significance of this alteration remains unclear.